The following is an entry in ClinVar:

NM_005639.3(SYT1):c.1098C>G (p.Asp366Glu)

Gene: SYT1 (synaptotagmin 1; plus strand). Cytogenetic location: 12q21.2.
Variant type: single nucleotide variant.
Coding change: c.1098C>G on transcript NM_005639.3 (MANE Select); coding-DNA position 1098, C replaced by G.
Protein change: p.Asp366Glu; replaces aspartic acid 366 with glutamic acid.
Molecular consequence: missense variant.
Genome position (GRCh38, 1-based): chr12:79,448,953, C>G. VCF-style: chr12-79448953-C-G. GRCh37 (hg19) VCF-style: chr12-79842733-C-G.
Other names: c.1098C>G, p.Asp366Glu (NM_001135805.2, NM_001135806.2); c.1089C>G, p.Asp363Glu (NM_001291901.2); short protein forms D363E, D366E.
Identifiers: ClinVar variation 977145 (VCV000977145.1), dbSNP rs1565962725, ClinGen allele CA385931862.

ClinVar aggregate classification (germline): Pathogenic (1 of 4 stars; one submission).

Conditions:
Syndromic intellectual disability. Also called: Intellectual disability syndrome. Identifiers: Orphanet 183763, MedGen C5680525, MONDO:0000508.

Submission:

Broad Center for Mendelian Genomics, Broad Institute of MIT and Harvard
Classification: Pathogenic for Syndromic intellectual disability. Last evaluated: 2020-05-28. Review status: criteria provided, single submitter. Criteria: ACMG Guidelines, 2015. Collection method: research. Allele origin: germline. Inheritance: Autosomal dominant inheritance.
Comment: Trio exome analysis showed this variant to be de novo. This variant was absent from large population studies. In vitro functional studies provide some evidence that the p.Asp366Glu variant may slightly impact protein function through disruptions in exocytosis (PMID: 30107533). However, these types of assays may not accurately represent biological function. Computational prediction tools and conservation analyses do not provide strong support for or against an impact to the protein. One additional likely pathogenic variant, inducing the same amino acid change as this variant, has been reported in association with Baker-Gordon syndrome in the literature, slightly supporting that this variant may be pathogenic (PMID: 30107533). The p.Asp366Glu variant is located in a region of SYT1 that is essential to protein folding and stability, suggesting that this variant is in a functional domain and slightly supports pathogenicity (PMID: 30107533). In summary, this variant meets criteria to be classified as pathogenic for Baker-Gordon syndrome. ACMG/AMP Criteria applied: PS2, PM2, PS1_moderate, PM1_supporting, PS3_supporting (Richards 2015).

Literature cited by the submitters: PubMed 30107533.